The following is an entry in ClinVar:

ClinVar aggregate classification (germline): Uncertain significance (1 of 4 stars; one submission).

Submission:

Labcorp Genetics (formerly Invitae), Labcorp
Classification: Uncertain significance. Last evaluated: 2022-09-17. Review status: criteria provided, single submitter. Criteria: Invitae Variant Classification Sherloc (09022015). Collection method: clinical testing. Allele origin: germline.
Comment: In summary, the available evidence is currently insufficient to determine the role of this variant in disease. Therefore, it has been classified as a Variant of Uncertain Significance. This variant has not been reported in the literature in individuals affected with OSBPL2-related conditions. This variant results in a copy number gain of the genomic region encompassing exon(s) 7-14 of the OSBPL2 gene. This region includes the termination codon of the gene. This copy number gain extends beyond the assayed region for this gene and therefore may encompass additional genes. As the precise location of this event is unknown, it may be in tandem or it may be located elsewhere in the genome.

NC_000020.10:g.(?_60854193)_(60886170_?)dup

Genes: ADRM1 (ADRM1 26S proteasome ubiquitin receptor; plus strand), LAMA5 (laminin subunit alpha 5; minus strand), OSBPL2 (oxysterol binding protein like 2; plus strand). Cytogenetic location: 20q13.33.
Variant type: Duplication.
Identifiers: ClinVar variation 2427290 (VCV002427290.3).